The following is an entry in ClinVar:

ClinVar aggregate classification (germline): Uncertain significance (1 of 4 stars; one submission).

Conditions:
Biotin-responsive basal ganglia disease (BTBGD). Also called: Thiamine Transporter-2 Deficiency; Thiamine metabolism dysfunction syndrome 2 (biotin- or thiamine-responsive encephalopathy type 2); thiamine-responsive encephalopathy; THIAMINE METABOLISM DYSFUNCTION SYNDROME 2 (BIOTIN- AND THIAMINE-RESPONSIVE TYPE); Thiamine metabolism dysfunction syndrome type 2. Identifiers: Orphanet 199348, Orphanet 65284, MedGen C1843807, MONDO:0011841, OMIM 607483.

Allele frequency attached by ClinVar (database versions not stated): ExAC 0.00001; gnomAD exomes 0.00001; TOPMed 0.00001.
gnomAD v4.1: 8 of 1,614,134 alleles (0.0005%); highest among the groups gnomAD compares: Non-Finnish European, 0.00051%; no homozygotes.

Submission:

Labcorp Genetics (formerly Invitae), Labcorp
Classification: Uncertain significance for Biotin-responsive basal ganglia disease. Last evaluated: 2024-10-21. Review status: criteria provided, single submitter. Criteria: Invitae Variant Classification Sherloc (09022015). Collection method: clinical testing. Allele origin: germline.
Comment: This sequence change replaces isoleucine, which is neutral and non-polar, with valine, which is neutral and non-polar, at codon 420 of the SLC19A3 protein (p.Ile420Val). This variant is present in population databases (rs777526582, gnomAD 0.009%). This variant has not been reported in the literature in individuals affected with SLC19A3-related conditions. ClinVar contains an entry for this variant (Variation ID: 1908608). Invitae Evidence Modeling of protein sequence and biophysical properties (such as structural, functional, and spatial information, amino acid conservation, physicochemical variation, residue mobility, and thermodynamic stability) indicates that this missense variant is not expected to disrupt SLC19A3 protein function with a negative predictive value of 95%. In summary, the available evidence is currently insufficient to determine the role of this variant in disease. Therefore, it has been classified as a Variant of Uncertain Significance.

NM_025243.4(SLC19A3):c.1258A>G (p.Ile420Val)

Gene: SLC19A3 (solute carrier family 19 member 3; minus strand). Cytogenetic location: 2q36.3.
Variant type: single nucleotide variant.
Coding change: c.1258A>G on transcript NM_025243.4 (MANE Select); coding-DNA position 1258, A replaced by G.
Protein change: p.Ile420Val; replaces isoleucine 420 with valine.
Molecular consequence: missense variant.
Genome position (GRCh38, 1-based): chr2:227,688,222, T>C on the plus strand (A>G on the coding strand, the complement: SLC19A3 is on the minus strand). VCF-style: chr2-227688222-T-C. GRCh37 (hg19) VCF-style: chr2-228552938-T-C.
Other names: c.1258A>G, p.Ile420Val (NM_001371411.1, NM_001371412.1); c.1246A>G, p.Ile416Val (NM_001371413.1, NM_001371414.1); short protein forms I416V, I420V.
Identifiers: ClinVar variation 1908608 (VCV001908608.4), dbSNP rs777526582, ClinGen allele CA2149120.
Genomic context (GRCh38, chr2:227,688,222, plus strand): 5'-TTACCTGAATGCTGACTGGCAAGTTGAGCCCTCTCTGATCTACTACAATCACAGTCATGA[T>C]GGTCTGAATCACCAAGGCAATAAAGGTGTTGATTCCAAATACCAAGGCATAGCGTTCCAC-3'
Protein context (NP_079519.1, residues 410-430): NTFIALVIQT[Ile420Val]MTVIVVDQRG